The following is an entry in ClinVar:

NM_000017.4(ACADS):c.203C>T (p.Ala68Val)

Gene: ACADS (acyl-CoA dehydrogenase short chain; plus strand). Cytogenetic location: 12q24.31.
Variant type: single nucleotide variant.
Coding change: c.203C>T on transcript NM_000017.4 (MANE Select); coding-DNA position 203, C replaced by T.
Protein change: p.Ala68Val; replaces alanine 68 with valine.
Molecular consequence: missense variant.
Genome position (GRCh38, 1-based): chr12:120,727,182, C>T. VCF-style: chr12-120727182-C-T. GRCh37 (hg19) VCF-style: chr12-121164985-C-T.
Other names: c.203C>T, p.Ala68Val (NM_001302554.2); short protein forms A68V.
Identifiers: ClinVar variation 841334 (VCV000841334.10), dbSNP rs148789330, ClinGen allele CA6830779.

ClinVar aggregate classification (germline): Uncertain significance. Review status: criteria provided, multiple submitters, no conflicts (2 of 4 stars). 2 submissions from 2 submitters: Uncertain significance (2). Last evaluated 2024-12-24.

Conditions:
Deficiency of butyryl-CoA dehydrogenase (ACADSD). Also called: SCAD Deficiency; ACADS DEFICIENCY; SCADH DEFICIENCY; SCAD DEFICIENCY, MILD; Short-Chain Acyl-CoA Dehydrogenase Deficiency; ACYL-CoA DEHYDROGENASE, SHORT-CHAIN, DEFICIENCY OF. Identifiers: Orphanet 26792, MedGen C0342783, MONDO:0008722, OMIM 201470. Disease mechanism: May be benign.

Allele frequency attached by ClinVar (database versions not stated): TOPMed 0.00003.
gnomAD v4.1: 26 of 1,614,038 alleles (0.0016%); highest among the groups gnomAD compares: Middle Eastern, 0.049%; no homozygotes.

Submissions (2):

Labcorp Genetics (formerly Invitae), Labcorp
Classification: Uncertain significance for Deficiency of butyryl-CoA dehydrogenase. Last evaluated: 2024-12-24. Review status: criteria provided, single submitter. Criteria: Invitae Variant Classification Sherloc (09022015). Collection method: clinical testing. Allele origin: germline.
Comment: This sequence change replaces alanine, which is neutral and non-polar, with valine, which is neutral and non-polar, at codon 68 of the ACADS protein (p.Ala68Val). This variant is present in population databases (rs148789330, gnomAD 0.005%). This missense change has been observed in individual(s) with short chain acyl-CoA dehydrogenase (SCAD) deficiency (PMID: 31813752; internal data). ClinVar contains an entry for this variant (Variation ID: 841334). Invitae Evidence Modeling of protein sequence and biophysical properties (such as structural, functional, and spatial information, amino acid conservation, physicochemical variation, residue mobility, and thermodynamic stability) has been performed for this missense variant. However, the output from this modeling did not meet the statistical confidence thresholds required to predict the impact of this variant on ACADS protein function. In summary, the available evidence is currently insufficient to determine the role of this variant in disease. Therefore, it has been classified as a Variant of Uncertain Significance.

Fulgent Genetics
Classification: Uncertain significance for Deficiency of butyryl-CoA dehydrogenase. Last evaluated: 2022-05-16. Review status: criteria provided, single submitter. Criteria: ACMG Guidelines, 2015. Collection method: clinical testing. Allele origin: unknown.

Literature cited by the submitters: PubMed 31813752 (cited by Labcorp Genetics (formerly Invitae), Labcorp).